The following is an entry in ClinVar:

NM_000551.4(VHL):c.347T>C (p.Leu116Pro)

Genes: VHL (von Hippel-Lindau tumor suppressor; plus strand), LOC107303340 (3p25 von Hippel-Lindau tumor suppressor, E3 ubiquitin protein ligase Alu-mediated recombination region; plus strand). Cytogenetic location: 3p25.3.
Variant type: single nucleotide variant.
Coding change: c.347T>C on transcript NM_000551.4 (MANE Select); coding-DNA position 347, T replaced by C.
Protein change: p.Leu116Pro; replaces leucine 116 with proline.
Molecular consequence: missense variant. On other transcripts: non-coding transcript variant (1), intron variant (2).
Genome position (GRCh38, 1-based): chr3:10,146,520, T>C. VCF-style: chr3-10146520-T-C. GRCh37 (hg19) VCF-style: chr3-10188204-T-C.
Other names: c.*18-3267T>C (NM_001354723.2); c.341-3267T>C (NM_198156.3); short protein forms L116P.
Identifiers: ClinVar variation 3340785 (VCV003340785.1).

ClinVar aggregate classification (germline): Uncertain significance (1 of 4 stars; one submission).

Submission:

GeneDx
Classification: Uncertain significance. Last evaluated: 2023-11-08. Review status: criteria provided, single submitter. Criteria: GeneDx Variant Classification Process June 2021. Collection method: clinical testing. Allele origin: germline. Affected: yes.
Comment: Not observed at significant frequency in large population cohorts (gnomAD); In silico analysis supports that this missense variant does not alter protein structure/function; Observed in individuals with pheochromocytoma in published literature (PMID: 30877234); This variant is associated with the following publications: (PMID: 22517557, 30877234)